The following is an entry in ClinVar:

ClinVar aggregate classification (germline): Uncertain significance (1 of 4 stars; one submission).

Conditions:
X-linked agammaglobulinemia (XLA). Also called: IMMUNODEFICIENCY 1; Agammaglobulinemia, Bruton tyrosine kinase; Agammaglobulinemia, BTK; BTK-deficiency; Bruton-type agammaglobulinemia; Bruton's agammaglobulinemia. Identifiers: Orphanet 229717, Orphanet 47, MedGen C0221026, MONDO:0010421, OMIM 300755.

Submission:

3billion
Classification: Uncertain significance for X-linked agammaglobulinemia. Last evaluated: 2025-02-17. Review status: criteria provided, single submitter. Criteria: ACMG Guidelines, 2015. Collection method: clinical testing. Allele origin: germline. Affected: yes.
Comment: The variant is not observed in the gnomAD v4.1.0 dataset. Predicted Consequence/Location: Missense variant In silico tool predictions suggest damaging effect of the variant on gene or gene product [REVEL: 0.92 (>=0.6, sensitivity 0.68 and specificity 0.92); 3Cnet: 0.87 (>=0.6, sensitivity 0.72 and precision 0.9)]. The same nucleotide change resulting in the same amino acid change has been previously reported to be associated with BTK-related disorder (PMID: 19419768). A different missense change at the same codon (p.Ile651Thr) has been reported to be associated with BTK-related disorder (PMID: 16943681). However the evidence of pathogenicity is insufficient at this time. Therefore, this variant is classified as VUS according to the recommendation of ACMG/AMP guideline.

Literature cited by the submitters: PubMed 19419768; PubMed 16943681.

NM_000061.3(BTK):c.1952T>G (p.Ile651Ser)

Gene: BTK (Bruton tyrosine kinase; minus strand). Cytogenetic location: Xq22.1.
Variant type: single nucleotide variant.
Coding change: c.1952T>G on transcript NM_000061.3 (MANE Select); coding-DNA position 1952, T replaced by G.
Protein change: p.Ile651Ser; replaces isoleucine 651 with serine.
Molecular consequence: missense variant.
Genome position (GRCh38, 1-based): chrX:101,349,913, A>C on the plus strand (T>G on the coding strand, the complement: BTK is on the minus strand). VCF-style: chrX-101349913-A-C. GRCh37 (hg19) VCF-style: chrX-100604901-A-C.
Other names: c.2054T>G, p.Ile685Ser (NM_001287344.2); c.1424T>G, p.Ile475Ser (NM_001287345.2); short protein forms I475S, I651S, I685S.
Identifiers: ClinVar variation 4292249 (VCV004292249.1).